The following is an entry in ClinVar:

ClinVar aggregate classification (germline): Conflicting classifications of pathogenicity. Review status: criteria provided, conflicting classifications (1 of 4 stars). 7 submissions from 7 submitters: Uncertain significance (6); Benign (1). Last evaluated 2026-02-01.

Conditions:
Bethlem myopathy 1A. Also called: Bethlem myopathy 1; Bethlem Muscular Dystrophy; MYOPATHY, BENIGN CONGENITAL, WITH CONTRACTURES. Identifiers: Orphanet 610, MedGen CN029274, MONDO:0024530, OMIM 158810.
Inborn genetic diseases. Identifiers: MedGen C0950123, MeSH D030342.

Allele frequency attached by ClinVar (database versions not stated): ExAC 0.00010; gnomAD exomes 0.00011; gnomAD 0.00014 and 0.00017; 1000 Genomes Project 30x 0.00016; 1000 Genomes Project 0.00020; TOPMed 0.00025.
gnomAD v4.1: 153 of 1,592,066 alleles (0.0096%); highest among the groups gnomAD compares: Middle Eastern, 0.05%; no homozygotes.

Submissions (7):

Labcorp Genetics (formerly Invitae), Labcorp
Classification: Benign for Bethlem myopathy 1A. Last evaluated: 2026-02-01. Review status: criteria provided, single submitter. Criteria: Invitae Variant Classification Sherloc (09022015). Collection method: clinical testing. Allele origin: germline.

GeneDx
Classification: Uncertain significance. Last evaluated: 2024-08-16. Review status: criteria provided, single submitter. Criteria: GeneDx Variant Classification Process June 2021. Collection method: clinical testing. Allele origin: germline.
Comment: In silico analysis indicates that this missense variant does not alter protein structure/function; Has not been previously published as pathogenic or benign to our knowledge

Blueprint Genetics
Classification: Uncertain significance. Last evaluated: 2023-05-26. Review status: criteria provided, single submitter. Criteria: ACMG Guidelines, 2015. Collection method: clinical testing. Allele origin: germline.

Mayo Clinic Laboratories, Mayo Clinic
Classification: Uncertain significance. Last evaluated: 2022-05-16. Review status: criteria provided, single submitter. Criteria: ACMG Guidelines, 2015. Collection method: clinical testing. Allele origin: germline. Observed: 1 variant allele.

Revvity Omics, Revvity
Classification: Uncertain significance. Last evaluated: 2019-06-25. Review status: criteria provided, single submitter. Criteria: ACMG Guidelines, 2015. Collection method: clinical testing. Allele origin: germline.

Eurofins Ntd Llc (ga)
Classification: Uncertain significance. Last evaluated: 2018-06-13. Review status: criteria provided, single submitter. Criteria: EGL ClinVar v180209 classification definitions. Collection method: clinical testing. Allele origin: germline. Observed: 1 variant allele, 1 heterozygote.

Ambry Genetics
Classification: Uncertain significance for Inborn genetic diseases. Last evaluated: 2015-10-26. Review status: criteria provided, single submitter. Criteria: Ambry exome assertion method (8-5-2015). Collection method: clinical testing. Allele origin: germline. Affected: yes. Observed: 1 variant allele.

NM_001848.3(COL6A1):c.2200A>G (p.Thr734Ala)

Gene: COL6A1 (collagen type VI alpha 1 chain; plus strand). Cytogenetic location: 21q22.3.
Variant type: single nucleotide variant.
Coding change: c.2200A>G on transcript NM_001848.3 (MANE Select); coding-DNA position 2200, A replaced by G.
Protein change: p.Thr734Ala; replaces threonine 734 with alanine.
Molecular consequence: missense variant.
Genome position (GRCh38, 1-based): chr21:46,002,351, A>G. VCF-style: chr21-46002351-A-G. GRCh37 (hg19) VCF-style: chr21-47422265-A-G.
Other names: p.Thr734Ala; short protein forms T734A.
Identifiers: ClinVar variation 520643 (VCV000520643.23), dbSNP rs562898957, ClinGen allele CA10070790.
Genomic context (GRCh38, chr21:46,002,351, plus strand): 5'-CTGCTGCCGCCCAGCCCGAACAACCGCATCGCCCTGGTCATCACTGACGGGCGCTCAGAC[A>G]CTCAGAGGGACACCACACCGCTCAACGTGCTCTGCAGCCCCGGCATCCAGGTGGGGTGGC-3'
Protein context (NP_001839.2, residues 724-744): ALVITDGRSD[Thr734Ala]QRDTTPLNVL